The following is an entry in ClinVar:

NM_002029.4(FPR1):c.557_723dup (p.Val242delinsThrLeuLysArgGlyTer)

Gene: FPR1 (formyl peptide receptor 1; minus strand). Cytogenetic location: 19q13.41.
Variant type: Duplication.
Coding change: c.557_723dup on transcript NM_002029.4 (MANE Select); coding-DNA positions 557 to 723, 167 bases duplicated.
Protein change: p.Val242delinsThrLeuLysArgGlyTer.
Molecular consequence: nonsense.
Genome position (GRCh38, 1-based): chr19:51,746,272-51,746,438, 167 bases duplicated. GRCh37 (hg19): chr19:52,249,526-52,249,692.
Other names: c.557_723dup, p.Val242delinsThrLeuLysArgGlyTer (NM_001193306.2).
Identifiers: ClinVar variation 3662791 (VCV003662791.2).

ClinVar aggregate classification (germline): Uncertain significance (1 of 4 stars; one submission).

Conditions:
Gingival disorder. Also called: Gingival disease. Identifiers: MedGen C0017563, MONDO:0002021.

Submission:

Labcorp Genetics (formerly Invitae), Labcorp
Classification: Uncertain significance for Gingival disorder. Last evaluated: 2024-08-18. Review status: criteria provided, single submitter. Criteria: Invitae Variant Classification Sherloc (09022015). Collection method: clinical testing. Allele origin: germline.
Comment: This sequence change creates a premature translational stop signal (p.Val242Thrfs*6) in the FPR1 gene. While this is not anticipated to result in nonsense mediated decay, it is expected to disrupt the last 109 amino acid(s) of the FPR1 protein. This variant is not present in population databases (gnomAD no frequency). This variant has not been reported in the literature in individuals affected with FPR1-related conditions. Experimental studies and prediction algorithms are not available or were not evaluated, and the functional significance of this variant is currently unknown. In summary, the available evidence is currently insufficient to determine the role of this variant in disease. Therefore, it has been classified as a Variant of Uncertain Significance.